The following is an entry in ClinVar:

ClinVar aggregate classification (germline): Uncertain significance. Review status: criteria provided, multiple submitters, no conflicts (2 of 4 stars). 4 submissions from 4 submitters: Uncertain significance (4). Last evaluated 2025-02-16.

Conditions:
Perlman syndrome (PRLMNS). Identifiers: Orphanet 2849, MedGen C0796113, MONDO:0009965, OMIM 267000.

Allele frequency attached by ClinVar (database versions not stated): gnomAD 0.00001; TOPMed 0.00001; ExAC 0.00002; gnomAD exomes 0.00002.
gnomAD v4.1: 80 of 1,610,212 alleles (0.005%); highest among the groups gnomAD compares: East Asian, 0.016%; no homozygotes.

Submissions (4):

Labcorp Genetics (formerly Invitae), Labcorp
Classification: Uncertain significance for Perlman syndrome. Last evaluated: 2025-02-16. Review status: criteria provided, single submitter. Criteria: Invitae Variant Classification Sherloc (09022015). Collection method: clinical testing. Allele origin: germline.
Comment: This sequence change replaces alanine, which is neutral and non-polar, with threonine, which is neutral and polar, at codon 718 of the DIS3L2 protein (p.Ala718Thr). This variant is present in population databases (rs745957922, gnomAD 0.003%). This variant has not been reported in the literature in individuals affected with DIS3L2-related conditions. ClinVar contains an entry for this variant (Variation ID: 572667). Invitae Evidence Modeling of protein sequence and biophysical properties (such as structural, functional, and spatial information, amino acid conservation, physicochemical variation, residue mobility, and thermodynamic stability) indicates that this missense variant is not expected to disrupt DIS3L2 protein function with a negative predictive value of 80%. In summary, the available evidence is currently insufficient to determine the role of this variant in disease. Therefore, it has been classified as a Variant of Uncertain Significance.

Fulgent Genetics
Classification: Uncertain significance for Perlman syndrome. Last evaluated: 2024-01-23. Review status: criteria provided, single submitter. Criteria: ACMG Guidelines, 2015. Collection method: clinical testing. Allele origin: germline.

Baylor Genetics
Classification: Uncertain significance for Perlman syndrome. Last evaluated: 2021-12-21. Review status: criteria provided, single submitter. Criteria: ACMG Guidelines, 2015. Collection method: clinical testing. Allele origin: unknown. Affected: yes. Study: CSER-TexasKidsCanSeq.
Comment: This variant was determined to be of uncertain significance according to ACMG Guidelines, 2015 [PMID:25741868].

Department of Pathology and Laboratory Medicine, Sinai Health System
Classification: Uncertain significance for Perlman syndrome. Last evaluated: 2021-07-30. Review status: criteria provided, single submitter. Criteria: ACMG Guidelines, 2015. Collection method: research. Allele origin: germline.

NM_152383.5(DIS3L2):c.2152G>A (p.Ala718Thr)

Gene: DIS3L2 (DIS3 like 3'-5' exoribonuclease 2; plus strand). Cytogenetic location: 2q37.1.
Variant type: single nucleotide variant.
Coding change: c.2152G>A on transcript NM_152383.5 (MANE Select); coding-DNA position 2152, G replaced by A.
Protein change: p.Ala718Thr; replaces alanine 718 with threonine.
Molecular consequence: missense variant. On other transcripts: non-coding transcript variant (2), intron variant (1).
Genome position (GRCh38, 1-based): chr2:232,333,981, G>A. VCF-style: chr2-232333981-G-A. GRCh37 (hg19) VCF-style: chr2-233198691-G-A.
Other names: c.1582-9364G>A (NM_001257281.2); short protein forms A718T.
Identifiers: ClinVar variation 572667 (VCV000572667.11), dbSNP rs745957922, ClinGen allele CA2164407.